The following is an entry in ClinVar:

NM_004204.5(PIGQ):c.554C>G (p.Pro185Arg)

Gene: PIGQ (phosphatidylinositol glycan anchor biosynthesis class Q; plus strand). Cytogenetic location: 16p13.3.
Variant type: single nucleotide variant.
Coding change: c.554C>G on transcript NM_004204.5 (MANE Select); coding-DNA position 554, C replaced by G.
Protein change: p.Pro185Arg; replaces proline 185 with arginine.
Molecular consequence: missense variant.
Genome position (GRCh38, 1-based): chr16:574,628, C>G. VCF-style: chr16-574628-C-G. GRCh37 (hg19) VCF-style: chr16-624628-C-G.
Other names: c.554C>G, p.Pro185Arg (NM_148920.4); short protein forms P185R.
Identifiers: ClinVar variation 1450894 (VCV001450894.8), dbSNP rs2151044586, ClinGen allele CA394049200.

ClinVar aggregate classification (germline): Uncertain significance (1 of 4 stars; one submission).

Conditions:
Epilepsy. Also called: Seizure disorder. Identifiers: MedGen C0014544, MeSH D004827, MONDO:0005027.

Submission:

Labcorp Genetics (formerly Invitae), Labcorp
Classification: Uncertain significance for Epilepsy. Last evaluated: 2022-06-13. Review status: criteria provided, single submitter. Criteria: Invitae Variant Classification Sherloc (09022015). Collection method: clinical testing. Allele origin: germline.
Comment: Algorithms developed to predict the effect of missense changes on protein structure and function are either unavailable or do not agree on the potential impact of this missense change (SIFT: "Deleterious"; PolyPhen-2: "Probably Damaging"; Align-GVGD: "Class C0"). In summary, the available evidence is currently insufficient to determine the role of this variant in disease. Therefore, it has been classified as a Variant of Uncertain Significance. This sequence change replaces proline, which is neutral and non-polar, with arginine, which is basic and polar, at codon 185 of the PIGQ protein (p.Pro185Arg). This variant is not present in population databases (gnomAD no frequency). This variant has not been reported in the literature in individuals affected with PIGQ-related conditions.